The following is an entry in ClinVar:

NM_024325.6(ZNF343):c.1632A>T (p.Ser544=)

Gene: ZNF343 (zinc finger protein 343; minus strand). Cytogenetic location: 20p13.
Variant type: single nucleotide variant.
Coding change: c.1632A>T on transcript NM_024325.6 (MANE Select); coding-DNA position 1632, A replaced by T.
Protein change: p.Ser544=; no amino-acid change (serine 544 retained).
Molecular consequence: synonymous variant.
Genome position (GRCh38, 1-based): chr20:2,483,329, T>A on the plus strand (A>T on the coding strand, the complement: ZNF343 is on the minus strand). VCF-style: chr20-2483329-T-A. GRCh37 (hg19) VCF-style: chr20-2463975-T-A.
Other names: c.1632A>T, p.Ser544= (NM_001282495.1, NM_001282496.2, NM_001321800.2); c.1755A>T, p.Ser585= (NM_001282497.2, NM_001321801.2); c.1362A>T, p.Ser454= (NM_001282498.2); c.1752A>T, p.Ser584= (NM_001321802.2, NM_001321803.2); c.1629A>T, p.Ser543= (NM_001321805.2).
Identifiers: ClinVar variation 3026079 (VCV003026079.22), dbSNP rs151238644, ClinGen allele CA9732647.

ClinVar aggregate classification (germline): Likely benign (1 of 4 stars; one submission).

Allele frequency attached by ClinVar (database versions not stated): ExAC 0.00001; ESP Exome Variant Server 0.00008.

Submission:

CeGaT Center for Human Genetics Tuebingen
Classification: Likely benign. Last evaluated: 2024-02-01. Review status: criteria provided, single submitter. Criteria: CeGaT Center For Human Genetics Tuebingen Variant Classification Criteria Version 2. Collection method: clinical testing. Allele origin: germline. Affected: yes. Observed: 1 variant allele.
Comment: ZNF343: BP4, BP7